The following is an entry in ClinVar:

NM_018192.4(P3H2):c.1452+10C>T

Gene: P3H2 (prolyl 3-hydroxylase 2; minus strand). Cytogenetic location: 3q28.
Variant type: single nucleotide variant.
Coding change: c.1452+10C>T on transcript NM_018192.4 (MANE Select); 10 bases into the intron after coding-DNA position 1452, C replaced by T.
Molecular consequence: intron variant.
Genome position (GRCh38, 1-based): chr3:189,974,548, G>A on the plus strand (C>T on the coding strand, the complement: P3H2 is on the minus strand). VCF-style: chr3-189974548-G-A. GRCh37 (hg19) VCF-style: chr3-189692337-G-A.
Other names: c.1452+10C>T (NM_018192.3); c.909+10C>T (NM_001134418.2).
Identifiers: ClinVar variation 1114582 (VCV001114582.9), dbSNP rs200896658, ClinGen allele CA2752924.

ClinVar aggregate classification (germline): Likely benign. Review status: criteria provided, multiple submitters, no conflicts (2 of 4 stars). 3 submissions from 3 submitters: Likely benign (3). Last evaluated 2025-07-18.

Conditions:
P3H2-related disorder. Also called: P3H2-related condition.

Allele frequency attached by ClinVar (database versions not stated): TOPMed 0.00002; gnomAD exomes 0.00003 and 0.00009; gnomAD 0.00004 and 0.00006; ExAC 0.00009; 1000 Genomes Project 30x 0.00047; 1000 Genomes Project 0.00060.
gnomAD v4.1: 69 of 1,613,152 alleles (0.0043%); highest among the groups gnomAD compares: African/African-American, 0.023%; no homozygotes.

Submissions (3):

PreventionGenetics, part of Exact Sciences
Classification: Likely benign for P3H2-related condition. Last evaluated: 2025-07-18. Review status: criteria provided, single submitter. Criteria: ACMG Guidelines, 2015. Collection method: clinical testing. Allele origin: germline.
Comment: This variant is classified as likely benign based on ACMG/AMP sequence variant interpretation guidelines (Richards et al. 2015 PMID: 25741868, with internal and published modifications).

Labcorp Genetics (formerly Invitae), Labcorp
Classification: Likely benign. Last evaluated: 2025-02-03. Review status: criteria provided, single submitter. Criteria: Invitae Variant Classification Sherloc (09022015). Collection method: clinical testing. Allele origin: germline.

Blueprint Genetics
Classification: Likely benign. Last evaluated: 2024-04-20. Review status: criteria provided, single submitter. Criteria: ACMG Guidelines, 2015. Collection method: clinical testing. Allele origin: germline.